The following is an entry in ClinVar:

ClinVar aggregate classification (germline): Uncertain significance. Review status: criteria provided, multiple submitters, no conflicts (2 of 4 stars). 2 submissions from 2 submitters: Uncertain significance (2). Last evaluated 2025-08-05.

Conditions:
Inborn genetic diseases. Identifiers: MedGen C0950123, MeSH D030342.

Allele frequency attached by ClinVar (database versions not stated): ExAC 0.00003; gnomAD exomes 0.00003; TOPMed 0.00004; gnomAD 0.00008.
gnomAD v4.1: 41 of 1,606,192 alleles (0.0026%); highest among the groups gnomAD compares: Middle Eastern, 0.049%; no homozygotes.

Submissions (2):

Ambry Genetics
Classification: Uncertain significance for Inborn genetic diseases. Last evaluated: 2025-08-05. Review status: criteria provided, single submitter. Criteria: Ambry Variant Classification Scheme 2023. Collection method: clinical testing. Allele origin: germline.

Labcorp Genetics (formerly Invitae), Labcorp
Classification: Uncertain significance. Last evaluated: 2022-11-17. Review status: criteria provided, single submitter. Criteria: Invitae Variant Classification Sherloc (09022015). Collection method: clinical testing. Allele origin: germline.
Comment: This sequence change replaces threonine, which is neutral and polar, with methionine, which is neutral and non-polar, at codon 755 of the FGFR3 protein (p.Thr755Met). This variant is present in population databases (rs752294041, gnomAD 0.01%). This variant has not been reported in the literature in individuals affected with FGFR3-related conditions. ClinVar contains an entry for this variant (Variation ID: 1680134). Advanced modeling of protein sequence and biophysical properties (such as structural, functional, and spatial information, amino acid conservation, physicochemical variation, residue mobility, and thermodynamic stability) has been performed at Invitae for this missense variant, however the output from this modeling did not meet the statistical confidence thresholds required to predict the impact of this variant on FGFR3 protein function. In summary, the available evidence is currently insufficient to determine the role of this variant in disease. Therefore, it has been classified as a Variant of Uncertain Significance.

NM_000142.5(FGFR3):c.2264C>T (p.Thr755Met)

Gene: FGFR3 (fibroblast growth factor receptor 3; plus strand). Cytogenetic location: 4p16.3.
Variant type: single nucleotide variant.
Coding change: c.2264C>T on transcript NM_000142.5 (MANE Select); coding-DNA position 2264, C replaced by T.
Protein change: p.Thr755Met; replaces threonine 755 with methionine.
Molecular consequence: missense variant. On other transcripts: synonymous variant (1), non-coding transcript variant (1).
Genome position (GRCh38, 1-based): chr4:1,806,924, C>T. VCF-style: chr4-1806924-C-T. GRCh37 (hg19) VCF-style: chr4-1808651-C-T.
Other names: c.2264C>T (NM_000142.4); c.2270C>T, p.Thr757Met (NM_001163213.2); c.2267C>T, p.Thr756Met (NM_001354809.2); c.2196C>T, p.Asp732= (NM_001354810.2); c.1928C>T, p.Thr643Met (NM_022965.4); short protein forms T643M, T755M, T756M, T757M.
Identifiers: ClinVar variation 1680134 (VCV001680134.9), dbSNP rs752294041, ClinGen allele CA2810790.